The following is an entry in ClinVar:

ClinVar aggregate classification (germline): Conflicting classifications of pathogenicity. Review status: criteria provided, conflicting classifications (1 of 4 stars). 3 submissions from 3 submitters: Uncertain significance (2); Likely benign (1). Last evaluated 2025-09-15.

Conditions:
Developmental and epileptic encephalopathy, 14 (DEE14). Also called: Early infantile epileptic encephalopathy 14. Identifiers: Orphanet 293181, MedGen C3554195, MONDO:0013989, OMIM 614959.
Autosomal dominant nocturnal frontal lobe epilepsy 5. Also called: Epilepsy, nocturnal frontal lobe, 5; CILIARY DYSKINESIA, PRIMARY, 28, WITHOUT SITUS INVERSUS; CILIARY DYSKINESIA, PRIMARY, 28, WITH SITUS INVERSUS; KCNT1-Related Epilepsy. Identifiers: Orphanet 98784, MedGen C3554306, MONDO:0014002, OMIM 615005.

Allele frequency attached by ClinVar (database versions not stated): gnomAD 0.00001; TOPMed 0.00001; 1000 Genomes Project 30x 0.00016; gnomAD exomes 0.00002 and 0.00003; ExAC 0.00006.
gnomAD v4.1: 42 of 1,559,386 alleles (0.0027%); highest among the groups gnomAD compares: Non-Finnish European, 0.0032%; no homozygotes.

Submissions (3):

Labcorp Genetics (formerly Invitae), Labcorp
Classification: Uncertain significance for Autosomal dominant nocturnal frontal lobe epilepsy 5; Developmental and epileptic encephalopathy, 14. Last evaluated: 2025-09-15. Review status: criteria provided, single submitter. Criteria: Invitae Variant Classification Sherloc (09022015). Collection method: clinical testing. Allele origin: germline.
Comment: This sequence change replaces cysteine, which is neutral and slightly polar, with serine, which is neutral and polar, at codon 725 of the KCNT1 protein (p.Cys725Ser). This variant is present in population databases (rs756112023, gnomAD 0.003%). This variant has not been reported in the literature in individuals affected with KCNT1-related conditions. ClinVar contains an entry for this variant (Variation ID: 546366). Invitae Evidence Modeling of protein sequence and biophysical properties (such as structural, functional, and spatial information, amino acid conservation, physicochemical variation, residue mobility, and thermodynamic stability) indicates that this missense variant is not expected to disrupt KCNT1 protein function with a negative predictive value of 80%. In summary, the available evidence is currently insufficient to determine the role of this variant in disease. Therefore, it has been classified as a Variant of Uncertain Significance.

GeneDx
Classification: Likely benign. Last evaluated: 2020-12-29. Review status: criteria provided, single submitter. Criteria: GeneDx Variant Classification Process June 2021. Collection method: clinical testing. Allele origin: germline. Affected: yes.

CeGaT Center for Human Genetics Tuebingen
Classification: Uncertain significance. Last evaluated: 2019-06-01. Review status: criteria provided, single submitter. Criteria: CeGaT Center For Human Genetics Tuebingen Variant Classification Criteria Version 2. Collection method: clinical testing. Allele origin: germline. Affected: yes. Observed: 1 variant allele.

NM_020822.3(KCNT1):c.2174G>C (p.Cys725Ser)

Gene: KCNT1 (potassium sodium-activated channel subfamily T member 1; plus strand). Cytogenetic location: 9q34.3.
Variant type: single nucleotide variant.
Coding change: c.2174G>C on transcript NM_020822.3 (MANE Select); coding-DNA position 2174, G replaced by C.
Protein change: p.Cys725Ser; replaces cysteine 725 with serine.
Molecular consequence: missense variant.
Genome position (GRCh38, 1-based): chr9:135,772,880, G>C. VCF-style: chr9-135772880-G-C. GRCh37 (hg19) VCF-style: chr9-138664726-G-C.
Other names: c.2039G>C, p.Cys680Ser (NM_001272003.2); short protein forms C725S, C680S.
Identifiers: ClinVar variation 546366 (VCV000546366.55), dbSNP rs756112023, ClinGen allele CA5327199.